The following is an entry in ClinVar:

NM_002769.5(PRSS1):c.2T>A (p.Met1Lys)

Genes: PRSS1 (serine protease 1; plus strand), TRB (T cell receptor beta locus; plus strand). Cytogenetic location: 7q34.
Variant type: single nucleotide variant.
Coding change: c.2T>A on transcript NM_002769.5 (MANE Select); coding-DNA position 2, T replaced by A.
Protein change: p.Met1Lys; changes the start codon (methionine 1).
Molecular consequence: missense variant, initiator codon variant. On other transcripts: non-coding transcript variant (5).
Genome position (GRCh38, 1-based): chr7:142,749,486, T>A. VCF-style: chr7-142749486-T-A. GRCh37 (hg19) VCF-style: chr7-142457337-T-A.
Other names: short protein forms M1K.
Identifiers: ClinVar variation 3426325 (VCV003426325.1).

ClinVar aggregate classification (germline): Uncertain significance (1 of 4 stars; one submission).

Conditions:
Hereditary pancreatitis (PCTT). Also called: Hereditary chronic pancreatitis; PRSS1-Related Hereditary Pancreatitis. Identifiers: Orphanet 676, MedGen C0238339, MONDO:0008185, OMIM 167800.

Submission:

Ambry Genetics
Classification: Uncertain significance for Hereditary pancreatitis. Last evaluated: 2024-09-11. Review status: criteria provided, single submitter. Criteria: Ambry Variant Classification Scheme 2023. Collection method: clinical testing. Allele origin: germline.
Comment: The p.M1? variant (also known as c.2T>A) is located in coding exon 1 of the PRSS1 gene and results from a T to A substitution at nucleotide position 2. This alters the methionine residue at the initiation codon (ATG). This amino acid position is highly conserved in available vertebrate species. Sequence variations that modify the initiation codon are expected to result in either loss of translation initiation, N-terminal truncation, or cause a shift in the mRNA reading frame. However, loss of function of PRSS1 has not been established as a mechanism of disease. Based on the available evidence, the clinical significance of this alteration remains unclear.